The following is an entry in ClinVar:

NM_007294.4(BRCA1):c.3882del (p.Leu1295fs)

Genes: BRCA1 (BRCA1 DNA repair associated; minus strand), LOC126862571 (BRD4-independent group 4 enhancer GRCh37_chr17:41243136-41244335; plus strand). Cytogenetic location: 17q21.31.
Variant type: Deletion.
Coding change: c.3882del on transcript NM_007294.4 (MANE Select); coding-DNA position 3882, one base deleted (C; older notation c.3882delC).
Protein change: p.Leu1295fs; shifts the reading frame from leucine 1295.
Molecular consequence: frameshift variant. On other transcripts: intron variant (135).
Genome position (GRCh38, 1-based): chr17:43,091,649, G deleted on the plus strand (C on the coding strand, the reverse complement: BRCA1 is on the minus strand). VCF-style (leftmost placement, unchanged base first): chr17-43091648-AG-A. GRCh37 (hg19) VCF-style: chr17-41243665-AG-A.
Other names: c.647-617del (NM_001408456.1, NM_001408458.1, NM_001408469.1 and 11 more transcripts); c.644-617del (NM_001408465.1, NM_001408463.1, NM_001408470.1 and 3 more transcripts); c.578-617del (NM_001408482.1, NM_001408484.1, NM_001408478.1 and 9 more transcripts); c.521-617del (NM_001408504.1, NM_001408503.1, NM_001408505.1); c.524-617del (NM_001408499.1, NM_001408498.1, NM_001408501.1 and 3 more transcripts); c.671-617del (NM_001408422.1, NM_001408423.1, NM_001408420.1 and 2 more transcripts); c.707-617del (NM_001408416.1, NM_001408413.1); c.662-617del (NM_001408450.1, NM_001408434.1, NM_001408446.1 and 6 more transcripts); and 42 more; short protein forms L1248fs, L1295fs, L1206fs, L1207fs, L1228fs, L1247fs, L1254fs, L1292fs.
Identifiers: ClinVar variation 947848 (VCV000947848.11), dbSNP rs2053505662, ClinGen allele CA1139665611.

ClinVar aggregate classification (germline): Pathogenic. Review status: criteria provided, multiple submitters, no conflicts (2 of 4 stars). 2 submissions from 2 submitters: Pathogenic (2). Last evaluated 2023-08-11.

Conditions:
Hereditary cancer-predisposing syndrome. Also called: Hereditary neoplastic syndrome; Neoplastic Syndromes, Hereditary; Tumor predisposition; Hereditary Cancer Syndrome. Identifiers: Orphanet 140162, MedGen C0027672, MeSH D009386, MONDO:0015356.
Hereditary breast ovarian cancer syndrome. Also called: Hereditary breast and/or ovarian cancer syndrome; Hereditary breast and ovarian cancer syndrome; Hereditary breast and ovarian cancer syndrome (HBOC); Breast and ovarian cancer; BRCA1- and BRCA2-Associated Hereditary Breast and Ovarian Cancer; Hereditary breast and ovarian cancer. Identifiers: Orphanet 145, MedGen C0677776, MeSH D061325, MONDO:0003582. Disease mechanism: loss of function.

Submissions (2):

Labcorp Genetics (formerly Invitae), Labcorp
Classification: Pathogenic for Hereditary breast ovarian cancer syndrome. Last evaluated: 2023-08-11. Review status: criteria provided, single submitter. Criteria: Invitae Variant Classification Sherloc (09022015). Collection method: clinical testing. Allele origin: germline.
Comment: This sequence change creates a premature translational stop signal (p.Leu1295Cysfs*12) in the BRCA1 gene. It is expected to result in an absent or disrupted protein product. Loss-of-function variants in BRCA1 are known to be pathogenic (PMID: 20104584). This variant is not present in population databases (gnomAD no frequency). This variant has not been reported in the literature in individuals affected with BRCA1-related conditions. ClinVar contains an entry for this variant (Variation ID: 947848). For these reasons, this variant has been classified as Pathogenic.

Ambry Genetics
Classification: Pathogenic for Hereditary cancer-predisposing syndrome. Last evaluated: 2019-12-03. Review status: criteria provided, single submitter. Criteria: Ambry Variant Classification Scheme 2023. Collection method: clinical testing. Allele origin: germline.
Comment: The c.3882delC pathogenic mutation, located in coding exon 9 of the BRCA1 gene, results from a deletion of one nucleotide at nucleotide position 3882, causing a translational frameshift with a predicted alternate stop codon (p.L1295Cfs*12). This alteration is expected to result in loss of function by premature protein truncation or nonsense-mediated mRNA decay. As such, this alteration is interpreted as a disease-causing mutation.

Literature cited by the submitters: PubMed 20104584 (cited by Labcorp Genetics (formerly Invitae), Labcorp).